The following is an entry in ClinVar:

ClinVar aggregate classification (germline): Uncertain significance. Review status: criteria provided, multiple submitters, no conflicts (2 of 4 stars). 2 submissions from 2 submitters: Uncertain significance (2). Last evaluated 2025-10-01.

Allele frequency attached by ClinVar (database versions not stated): gnomAD exomes 0.00001; ExAC 0.00002; TOPMed 0.00006; gnomAD 0.00007.
gnomAD v4.1: 33 of 1,613,650 alleles (0.002%); highest among the groups gnomAD compares: East Asian, 0.025%; no homozygotes.

Submissions (2):

Labcorp Genetics (formerly Invitae), Labcorp
Classification: Uncertain significance. Last evaluated: 2025-10-01. Review status: criteria provided, single submitter. Criteria: Invitae Variant Classification Sherloc (09022015). Collection method: clinical testing. Allele origin: germline.
Comment: This sequence change replaces threonine, which is neutral and polar, with methionine, which is neutral and non-polar, at codon 1674 of the PIK3C2A protein (p.Thr1674Met). This variant is present in population databases (rs747006507, gnomAD 0.03%). This variant has not been reported in the literature in individuals affected with PIK3C2A-related conditions. ClinVar contains an entry for this variant (Variation ID: 1930264). An algorithm developed to predict the effect of missense changes on protein structure and function (PolyPhen-2) suggests that this variant is likely to be disruptive. In summary, the available evidence is currently insufficient to determine the role of this variant in disease. Therefore, it has been classified as a Variant of Uncertain Significance.

Ambry Genetics
Classification: Uncertain significance. Last evaluated: 2024-01-16. Review status: criteria provided, single submitter. Criteria: Ambry Variant Classification Scheme 2023. Collection method: clinical testing. Allele origin: germline.

NM_002645.4(PIK3C2A):c.5021C>T (p.Thr1674Met)

Gene: PIK3C2A (phosphatidylinositol-4-phosphate 3-kinase catalytic subunit type 2 alpha; minus strand). Cytogenetic location: 11p15.1.
Variant type: single nucleotide variant.
Coding change: c.5021C>T on transcript NM_002645.4 (MANE Select); coding-DNA position 5021, C replaced by T.
Protein change: p.Thr1674Met; replaces threonine 1674 with methionine.
Molecular consequence: missense variant.
Genome position (GRCh38, 1-based): chr11:17,089,778, G>A on the plus strand (C>T on the coding strand, the complement: PIK3C2A is on the minus strand). VCF-style: chr11-17089778-G-A. GRCh37 (hg19) VCF-style: chr11-17111325-G-A.
Other names: c.5021C>T, p.Thr1674Met (NM_001321378.2); c.3881C>T, p.Thr1294Met (NM_001321380.2); c.4853C>T, p.Thr1618Met (NM_001386870.1); c.5021C>T (NM_002645.2); short protein forms T1674M, T1294M, T1618M.
Identifiers: ClinVar variation 1930264 (VCV001930264.6), dbSNP rs747006507, ClinGen allele CA5900395.
Genomic context (GRCh38, chr11:17,089,778, plus strand): 5'-AAGCTCAAACATTCACTAGTTTACAAGTATGTTGCCGCAGTCAGCTGATACCATTTAACC[G>A]TCTCTTTGCTCAAGTTGAAATCTTTCAAAGGCAGGGTTACTCCACCCAAGAAAAAATTCT-3'
Protein context (NP_002636.2, residues 1664-1684): PLKDFNLSKE[Thr1674Met]VKWYQLTAAT